The following is an entry in ClinVar:

NM_001018008.2(TPM1):c.732G>A (p.Glu244=)

Gene: TPM1 (tropomyosin 1; plus strand). Cytogenetic location: 15q22.2.
Variant type: single nucleotide variant.
Coding change: c.732G>A on transcript NM_001018008.2; coding-DNA position 732, G replaced by A.
Protein change: p.Glu244=; no amino-acid change (glutamic acid 244 retained).
Molecular consequence: synonymous variant. On other transcripts: non-coding transcript variant (5), intron variant (8).
Genome position (GRCh38, 1-based): chr15:63,069,937, G>A. VCF-style: chr15-63069937-G-A. GRCh37 (hg19) VCF-style: chr15-63362136-G-A.
Other names: c.732G>A, p.Glu244= (NM_001330351.2); c.840G>A, p.Glu280= (NM_001365776.1, NM_001407336.1, NM_001407337.1 and 1 more transcripts); c.899-1153G>A (NM_001365778.1); c.773-1153G>A (NM_001018020.2, NM_001018007.2, NM_001018006.2 and 1 more transcripts); c.852-1153G>A (NM_001407326.1); c.665-1153G>A (NM_001330344.2, NM_001301289.2).
Identifiers: ClinVar variation 919118 (VCV000919118.32), dbSNP rs772871597, ClinGen allele CA033775.

ClinVar aggregate classification (germline): Conflicting classifications of pathogenicity. Review status: criteria provided, conflicting classifications (1 of 4 stars). 5 submissions from 5 submitters: Uncertain significance (1); Likely benign (2). 2 of the submissions do not count toward it. Last evaluated 2025-10-10.

Conditions:
TPM1-related disorder. Also called: TPM1-related condition.
Cardiomyopathy (CMYO). Also called: Cardiomyopathies. Identifiers: Orphanet 167848, MedGen C0878544, MONDO:0004994, HP:0001638. Inheritance: Various modes of inheritance.

Allele frequency attached by ClinVar (database versions not stated): TOPMed 0.00002; gnomAD exomes 0.00006 and 0.00008; gnomAD 0.00003 and 0.00004; ExAC 0.00011.
gnomAD v4.1: 126 of 1,613,884 alleles (0.0078%); highest among the groups gnomAD compares: Non-Finnish European, 0.01%; no homozygotes.

Submissions (5):

PreventionGenetics, part of Exact Sciences
Classification: Likely benign for TPM1-related condition. Last evaluated: 2025-10-10. Review status: criteria provided, single submitter. Criteria: ACMG Guidelines, 2015. Collection method: clinical testing. Allele origin: germline.
Comment: This variant is classified as likely benign based on ACMG/AMP sequence variant interpretation guidelines (Richards et al. 2015 PMID: 25741868, with internal and published modifications).

CeGaT Center for Human Genetics Tuebingen
Classification: Likely benign. Last evaluated: 2023-07-01. Review status: criteria provided, single submitter. Criteria: CeGaT Center For Human Genetics Tuebingen Variant Classification Criteria Version 2. Collection method: clinical testing. Allele origin: germline. Affected: yes. Observed: 1 variant allele.
Comment: TPM1: BP4, BS2

Color Diagnostics, LLC DBA Color Health
Classification: Uncertain significance for Cardiomyopathy. Last evaluated: 2019-05-23. Review status: criteria provided, single submitter. Criteria: ACMG Guidelines, 2015. Collection method: clinical testing. Allele origin: germline.
Comment: This variant is located in the 3' untranslated region of the TPM1 gene. To our knowledge, functional assays have not been performed for this variant nor has this variant been reported in individuals affected with cardiovascular disorders in the literature. This variant has been identified in 17/282848 chromosomes in the general population by the Genome Aggregation Database (gnomAD). Available evidence is insufficient to determine the role of this variant in disease conclusively. Therefore, this variant is classified as a Variant of Uncertain Significance.

Diagnostic Laboratory, Department of Genetics, University Medical Center Groningen
Classification: Likely benign. Review status: no assertion criteria provided. Collection method: clinical testing. Allele origin: germline. Affected: yes. Study: VKGL Data-share Consensus. Not counted in ClinVar's aggregate classification.

Joint Genome Diagnostic Labs from Nijmegen and Maastricht, Radboudumc and MUMC+
Classification: Likely benign. Review status: no assertion criteria provided. Collection method: clinical testing. Allele origin: germline. Affected: yes. Study: VKGL Data-share Consensus. Not counted in ClinVar's aggregate classification.